The following is an entry in ClinVar:

NM_015338.6(ASXL1):c.2797G>C (p.Ala933Pro)

Gene: ASXL1 (ASXL transcriptional regulator 1; plus strand). Cytogenetic location: 20q11.21.
Variant type: single nucleotide variant.
Coding change: c.2797G>C on transcript NM_015338.6 (MANE Select); coding-DNA position 2797, G replaced by C.
Protein change: p.Ala933Pro; replaces alanine 933 with proline.
Molecular consequence: missense variant.
Genome position (GRCh38, 1-based): chr20:32,435,509, G>C. VCF-style: chr20-32435509-G-C. GRCh37 (hg19) VCF-style: chr20-31023312-G-C.
Other names: c.2614G>C, p.Ala872Pro (NM_001363734.1); short protein forms A933P, A872P.
Identifiers: ClinVar variation 3791164 (VCV003791164.1).

ClinVar aggregate classification (germline): Uncertain significance (1 of 4 stars; one submission).

Conditions:
Inborn genetic diseases. Identifiers: MedGen C0950123, MeSH D030342.

Submission:

Ambry Genetics
Classification: Uncertain significance for Inborn genetic diseases. Last evaluated: 2024-12-12. Review status: criteria provided, single submitter. Criteria: Ambry Variant Classification Scheme 2023. Collection method: clinical testing. Allele origin: germline.
Comment: The p.A933P variant (also known as c.2797G>C), located in coding exon 13 of the ASXL1 gene, results from a G to C substitution at nucleotide position 2797. The alanine at codon 933 is replaced by proline, an amino acid with highly similar properties. This amino acid position is conserved. In addition, this alteration is predicted to be tolerated by in silico analysis. Based on the available evidence, the clinical significance of this variant remains unclear.